The following is an entry in ClinVar:

ClinVar aggregate classification (germline): Conflicting classifications of pathogenicity. Review status: criteria provided, conflicting classifications (1 of 4 stars). 2 submissions from 2 submitters: Uncertain significance (1); Likely benign (1). Last evaluated 2025-10-02.

Conditions:
Hereditary cancer-predisposing syndrome. Also called: Hereditary Cancer Syndrome; Tumor predisposition; Neoplastic Syndromes, Hereditary; Hereditary neoplastic syndrome. Identifiers: Orphanet 140162, MedGen C0027672, MeSH D009386, MONDO:0015356.
Gastrointestinal stromal tumor. Also called: Gastrointestinal stromal tumor, somatic; Gastrointestinal stroma tumor. Identifiers: Orphanet 44890, MedGen C0238198, MeSH D046152, MONDO:0011719, OMIM 606764, HP:0100723.

Allele frequency attached by ClinVar (database versions not stated): gnomAD 0.00001; TOPMed 0.00001.
gnomAD v4.1: 1 of 1,613,934 alleles (0.000062%); highest among the groups gnomAD compares: Admixed American, 0.0017%; no homozygotes.

Submissions (2):

Labcorp Genetics (formerly Invitae), Labcorp
Classification: Uncertain significance for Gastrointestinal stromal tumor. Last evaluated: 2025-10-02. Review status: criteria provided, single submitter. Criteria: Invitae Variant Classification Sherloc (09022015). Collection method: clinical testing. Allele origin: germline.
Comment: This sequence change replaces alanine, which is neutral and non-polar, with valine, which is neutral and non-polar, at codon 170 of the PDGFRA protein (p.Ala170Val). This variant is not present in population databases (gnomAD no frequency). This variant has not been reported in the literature in individuals affected with PDGFRA-related conditions. ClinVar contains an entry for this variant (Variation ID: 641244). An algorithm developed to predict the effect of missense changes on protein structure and function (PolyPhen-2) suggests that this variant is likely to be tolerated. In summary, the available evidence is currently insufficient to determine the role of this variant in disease. Therefore, it has been classified as a Variant of Uncertain Significance.

Ambry Genetics
Classification: Likely benign for Hereditary cancer-predisposing syndrome. Last evaluated: 2024-12-11. Review status: criteria provided, single submitter. Criteria: Ambry Variant Classification Scheme 2023. Collection method: clinical testing. Allele origin: germline.

NM_006206.6(PDGFRA):c.509C>T (p.Ala170Val)

Gene: PDGFRA (platelet derived growth factor receptor alpha; plus strand). Cytogenetic location: 4q12.
Variant type: single nucleotide variant.
Coding change: c.509C>T on transcript NM_006206.6 (MANE Select); coding-DNA position 509, C replaced by T.
Protein change: p.Ala170Val; replaces alanine 170 with valine.
Molecular consequence: missense variant.
Genome position (GRCh38, 1-based): chr4:54,263,808, C>T. VCF-style: chr4-54263808-C-T. GRCh37 (hg19) VCF-style: chr4-55129975-C-T.
Other names: c.509C>T, p.Ala170Val (NM_001347827.2, NM_001347829.2); c.584C>T, p.Ala195Val (NM_001347828.2); c.548C>T, p.Ala183Val (NM_001347830.2); short protein forms A170V, A183V, A195V.
Identifiers: ClinVar variation 641244 (VCV000641244.8), dbSNP rs1349637223, ClinGen allele CA356889977.
Genomic context (GRCh38, chr4:54,263,808, plus strand): 5'-GTCGCACAACTGATCCCGAGACTCCTGTAACCTTACACAACAGTGAGGGGGTGGTACCTG[C>T]CTCCTACGACAGCAGACAGGGCTTTAATGGGACCTTCACTGTAGGGCCCTATATCTGTGA-3'
Protein context (NP_006197.1, residues 160-180): TLHNSEGVVP[Ala170Val]SYDSRQGFNG